The following is an entry in ClinVar:

ClinVar aggregate classification (germline): Uncertain significance (1 of 4 stars; one submission).

Submission:

GeneDx
Classification: Uncertain significance. Last evaluated: 2023-06-20. Review status: criteria provided, single submitter. Criteria: GeneDx Variant Classification Process June 2021. Collection method: clinical testing. Allele origin: germline. Affected: yes.
Comment: Not observed at significant frequency in large population cohorts (gnomAD); In silico analysis supports that this missense variant has a deleterious effect on protein structure/function; Has not been previously published as pathogenic or benign to our knowledge

NM_001386298.1(CIC):c.3310C>G (p.Arg1104Gly)

Gene: CIC (capicua transcriptional repressor; plus strand). Cytogenetic location: 19q13.2.
Variant type: single nucleotide variant.
Coding change: c.3310C>G on transcript NM_001386298.1 (MANE Select); coding-DNA position 3310, C replaced by G.
Protein change: p.Arg1104Gly; replaces arginine 1104 with glycine.
Molecular consequence: missense variant.
Genome position (GRCh38, 1-based): chr19:42,287,545, C>G. VCF-style: chr19-42287545-C-G. GRCh37 (hg19) VCF-style: chr19-42791697-C-G.
Other names: c.3310C>G, p.Arg1104Gly (NM_001304815.2, NM_001379480.1, NM_001379482.1); c.583C>G, p.Arg195Gly (NM_001379484.1, NM_001379485.1, NM_015125.5); short protein forms R1104G, R195G.
Identifiers: ClinVar variation 3360123 (VCV003360123.1).
Genomic context (GRCh38, chr19:42,287,545, plus strand): 5'-GGCCACCCACACCTGTCTGCCAGGTCCTAACTGTCCCGCTCTGGGCTGTGTTTAATGCAG[C>G]GGGAGAAGGACCACATCCGGCGGCCCATGAATGCCTTCATGATCTTCAGCAAGCGGCACC-3'
Protein context (NP_001373227.1, residues 1094-1114): SEKDGRSPNK[Arg1104Gly]EKDHIRRPMN